The following is an entry in ClinVar:

ClinVar aggregate classification (germline): Uncertain significance (1 of 4 stars; one submission).

Conditions:
Developmental and epileptic encephalopathy, 13 (DEE13). Also called: Early infantile epileptic encephalopathy 13; Developmental and Epileptic Encephalopathy (SCN8A-DEE); SCN8A-Related Epilepsy. Identifiers: Orphanet 442835, MedGen C3281191, MONDO:0013801, OMIM 614558.

Submission:

3billion
Classification: Uncertain significance for Developmental and epileptic encephalopathy, 13. Last evaluated: 2024-01-23. Review status: criteria provided, single submitter. Criteria: ACMG Guidelines, 2015. Collection method: clinical testing. Allele origin: germline. Affected: yes.
Comment: The variant is not observed in the gnomAD v2.1.1 dataset. Predicted Consequence/Location: Missense changes are a common disease-causing mechanism. In silico tool predictions suggest damaging effect of the variant on gene or gene product [REVEL: 0.99 (>=0.6, sensitivity 0.68 and specificity 0.92); 3Cnet: 0.99 (>=0.6, sensitivity 0.72 and precision 0.9)]. Therefore, this variant is classified as VUS according to the recommendation of ACMG/AMP guideline.

NM_001330260.2(SCN8A):c.4066T>C (p.Cys1356Arg)

Gene: SCN8A (sodium voltage-gated channel alpha subunit 8; plus strand). Cytogenetic location: 12q13.13.
Variant type: single nucleotide variant.
Coding change: c.4066T>C on transcript NM_001330260.2 (MANE Select); coding-DNA position 4066, T replaced by C.
Protein change: p.Cys1356Arg; replaces cysteine 1356 with arginine.
Molecular consequence: missense variant.
Genome position (GRCh38, 1-based): chr12:51,786,665, T>C. VCF-style: chr12-51786665-T-C. GRCh37 (hg19) VCF-style: chr12-52180449-T-C.
Other names: c.3943T>C, p.Cys1315Arg (NM_001177984.3, NM_001369788.1); c.4066T>C, p.Cys1356Arg (NM_014191.4); short protein forms C1315R, C1356R.
Identifiers: ClinVar variation 3775635 (VCV003775635.1).